The following is an entry in ClinVar:

NM_000038.6(APC):c.-18-1457G>T

Gene: APC (APC regulator of WNT signaling pathway; plus strand). Cytogenetic location: 5q22.2.
Variant type: single nucleotide variant.
Coding change: c.-18-1457G>T on transcript NM_000038.6 (MANE Select); 1457 bases into the intron before 18 bases upstream of the start codon, G replaced by T.
Molecular consequence: intron variant.
Genome position (GRCh38, 1-based): chr5:112,753,416, G>T. VCF-style: chr5-112753416-G-T. GRCh37 (hg19) VCF-style: chr5-112089113-G-T.
Other names: c.-18-1457G>T (NM_001354895.2, NM_001127510.3, NM_001354896.2 and 2 more transcripts); c.166-12910G>T (NM_001354897.2, NM_001354902.2, NM_001127511.3); c.61-12910G>T (NM_001354898.2, NM_001354904.2); c.-1053-1457G>T (NM_001354906.2); c.-42-12910G>T (NM_001354900.2, NM_001354901.2, NM_001354905.2).
Identifiers: ClinVar variation 82361 (VCV000082361.2), dbSNP rs79521550, ClinGen allele CA006018.

ClinVar aggregate classification (germline): other (0 of 4 stars; one submission).

Conditions:
Familial colorectal cancer. Identifiers: MedGen CN280943, MONDO:0023113. Disease mechanism: loss of function.

Submission:

Systems Biology Platform Zhejiang California International NanoSystems Institute
Classification: other for Familial colorectal cancer. Review status: no assertion criteria provided. Collection method: not provided. Allele origin: unknown.
ClinVar note: Converted during submission from cancer to other.